The following is an entry in ClinVar:

NM_001205293.3(CACNA1E):c.769+4G>T

Gene: CACNA1E (calcium voltage-gated channel subunit alpha1 E; plus strand). Cytogenetic location: 1q25.3.
Variant type: single nucleotide variant.
Coding change: c.769+4G>T on transcript NM_001205293.3 (MANE Select); 4 bases into the intron after coding-DNA position 769, G replaced by T.
Molecular consequence: intron variant.
Genome position (GRCh38, 1-based): chr1:181,579,228, G>T. VCF-style: chr1-181579228-G-T. GRCh37 (hg19) VCF-style: chr1-181548364-G-T.
Other names: c.769+4G>T (NM_000721.4, NM_001205294.2).
Identifiers: ClinVar variation 1433054 (VCV001433054.6), dbSNP rs1258496167, ClinGen allele CA527571528.

ClinVar aggregate classification (germline): Uncertain significance (1 of 4 stars; one submission).

Allele frequency attached by ClinVar (database versions not stated): gnomAD exomes below 0.00001.
gnomAD v4.1: 2 of 1,607,008 alleles (0.00012%); highest among the groups gnomAD compares: East Asian, 0.0022%; no homozygotes.

Submission:

Labcorp Genetics (formerly Invitae), Labcorp
Classification: Uncertain significance. Last evaluated: 2022-07-25. Review status: criteria provided, single submitter. Criteria: Invitae Variant Classification Sherloc (09022015). Collection method: clinical testing. Allele origin: germline.
Comment: ClinVar contains an entry for this variant (Variation ID: 1433054). This variant has not been reported in the literature in individuals affected with CACNA1E-related conditions. This variant is present in population databases (no rsID available, gnomAD 0.006%). This sequence change falls in intron 5 of the CACNA1E gene. It does not directly change the encoded amino acid sequence of the CACNA1E protein. It affects a nucleotide within the consensus splice site. Variants that disrupt the consensus splice site are a relatively common cause of aberrant splicing (PMID: 17576681, 9536098). Algorithms developed to predict the effect of sequence changes on RNA splicing suggest that this variant is not likely to affect RNA splicing. In summary, the available evidence is currently insufficient to determine the role of this variant in disease. Therefore, it has been classified as a Variant of Uncertain Significance.

Literature cited by the submitters: PubMed 17576681; PubMed 9536098.